The following is an entry in ClinVar:

NM_024757.5(EHMT1):c.2276-2A>G

Gene: EHMT1 (euchromatic histone lysine methyltransferase 1; plus strand). Cytogenetic location: 9q34.3.
Variant type: single nucleotide variant.
Coding change: c.2276-2A>G on transcript NM_024757.5 (MANE Select); the canonical splice acceptor site of the intron before coding-DNA position 2276, A replaced by G.
Molecular consequence: splice acceptor variant.
Genome position (GRCh38, 1-based): chr9:137,782,289, A>G. VCF-style: chr9-137782289-A-G. GRCh37 (hg19) VCF-style: chr9-140676741-A-G.
Other names: c.2255-2A>G (NM_001354263.2); c.2183-2A>G (NM_001354259.2); c.2276-2A>G (NM_001145527.2).
Identifiers: ClinVar variation 3236880 (VCV003236880.2).
Genomic context (GRCh38, chr9:137,782,289, plus strand): 5'-AGTCCTGAGCTGGAGTCTGTGGCTACATCTGAAATCATTAATAAAACTGTGTTTGTTCAC[A>G]GTGGACGGAATTGACCCCAACTTCAAAATGGAGCACCAGAATAAGCGCTCTCCACTGCAC-3'

ClinVar aggregate classification (germline): Pathogenic. Review status: criteria provided, multiple submitters, no conflicts (2 of 4 stars). 2 submissions from 2 submitters: Pathogenic (2). Last evaluated 2024-11-27.

Conditions:
Kleefstra syndrome 1 (KLEFS1). Identifiers: Orphanet 261494, MedGen C0795833, MONDO:0027407, OMIM 610253.

Submissions (2):

3billion
Classification: Pathogenic for Kleefstra syndrome 1. Last evaluated: 2024-11-27. Review status: criteria provided, single submitter. Criteria: ACMG Guidelines, 2015. Collection method: clinical testing. Allele origin: germline. Affected: yes.
Comment: The variant is not observed in the gnomAD v4.1.0 dataset. Predicted Consequence/Location: Canonical splice site: predicted to alter splicing and result in a loss or disruption of normal protein function. Multiple pathogenic loss-of-function variants are reported downstream of the variant. In silico tools predict the variant to alter splicing and produce an abnormal transcript [SpliceAI: 0.92 (spliceogenicity >=0.2, non-spliceogenicity <0.1)]. The variant has been reported to be associated with EHMT1-related disorder (ClinVar ID: VCV003236880). Therefore, this variant is classified as Pathogenic according to the recommendation of ACMG/AMP guideline.

Laboratory of Genetics, Children's Clinical University Hospital Latvia
Classification: Pathogenic for Kleefstra syndrome 1. Review status: criteria provided, single submitter. Criteria: ACMG Guidelines, 2015. Collection method: curation. Allele origin: de novo. Affected: yes.
Comment: de novo

Literature cited by the submitters: PubMed 39013458 (cited by Laboratory of Genetics, Children's Clinical University Hospital Latvia).